The following is an entry in ClinVar:

NM_014727.3(KMT2B):c.3399G>C (p.Leu1133Phe)

Gene: KMT2B (lysine methyltransferase 2B; plus strand). Cytogenetic location: 19q13.12.
Variant type: single nucleotide variant.
Coding change: c.3399G>C on transcript NM_014727.3 (MANE Select); coding-DNA position 3399, G replaced by C.
Protein change: p.Leu1133Phe; replaces leucine 1133 with phenylalanine.
Molecular consequence: missense variant.
Genome position (GRCh38, 1-based): chr19:35,724,701, G>C. VCF-style: chr19-35724701-G-C. GRCh37 (hg19) VCF-style: chr19-36215602-G-C.
Other names: short protein forms L1133F.
Identifiers: ClinVar variation 3700576 (VCV003700576.2).

ClinVar aggregate classification (germline): Uncertain significance (1 of 4 stars; one submission).

gnomAD v4.1: 1 of 1,597,058 alleles (0.000063%); highest among the groups gnomAD compares: Non-Finnish European, 0.000085%; no homozygotes.

Submission:

Labcorp Genetics (formerly Invitae), Labcorp
Classification: Uncertain significance. Last evaluated: 2024-07-23. Review status: criteria provided, single submitter. Criteria: Invitae Variant Classification Sherloc (09022015). Collection method: clinical testing. Allele origin: germline.
Comment: This sequence change replaces leucine, which is neutral and non-polar, with phenylalanine, which is neutral and non-polar, at codon 1133 of the KMT2B protein (p.Leu1133Phe). This variant is not present in population databases (gnomAD no frequency). This variant has not been reported in the literature in individuals affected with KMT2B-related conditions. Advanced modeling of protein sequence and biophysical properties (such as structural, functional, and spatial information, amino acid conservation, physicochemical variation, residue mobility, and thermodynamic stability) performed at Invitae indicates that this missense variant is not expected to disrupt KMT2B protein function with a negative predictive value of 95%. In summary, the available evidence is currently insufficient to determine the role of this variant in disease. Therefore, it has been classified as a Variant of Uncertain Significance.